The following is an entry in ClinVar:

NM_152641.4(ARID2):c.4540_4541delinsGAA (p.Thr1514fs)

Gene: ARID2 (AT-rich interaction domain 2; plus strand). Cytogenetic location: 12q12.
Variant type: Indel.
Coding change: c.4540_4541delinsGAA on transcript NM_152641.4 (MANE Select); coding-DNA positions 4540 to 4541, AC replaced by GAA.
Protein change: p.Thr1514fs; shifts the reading frame from threonine 1514.
Molecular consequence: frameshift variant.
Genome position (GRCh38, 1-based): chr12:45,852,663-45,852,664, AC replaced by GAA. VCF-style: chr12-45852663-AC-GAA. GRCh37 (hg19) VCF-style: chr12-46246446-AC-GAA.
Other names: c.4540_4541delinsGAA, p.Thr1514fs (NM_001347839.2); short protein forms T1514fs.
Identifiers: ClinVar variation 1285520 (VCV001285520.1), dbSNP rs2138180455, ClinGen allele CA2499221641.

ClinVar aggregate classification (germline): Pathogenic (1 of 4 stars; one submission).

Conditions:
Coffin-Siris syndrome 6. Identifiers: MedGen C4540499, MONDO:0033492, OMIM 617808.

Submission:

Institute of Human Genetics, University of Leipzig Medical Center
Classification: Pathogenic for Coffin-Siris syndrome 6. Last evaluated: 2020-09-07. Review status: criteria provided, single submitter. Criteria: ACMG Guidelines, 2015. Collection method: clinical testing. Allele origin: de novo. Affected: yes.
Comment: This variant was identified as de novo (maternity and paternity confirmed).